The following is an entry in ClinVar:

NM_001379500.1(COL18A1):c.1781C>T (p.Pro594Leu)

Gene: COL18A1 (collagen type XVIII alpha 1 chain; plus strand). Cytogenetic location: 21q22.3.
Variant type: single nucleotide variant.
Coding change: c.1781C>T on transcript NM_001379500.1 (MANE Select); coding-DNA position 1781, C replaced by T.
Protein change: p.Pro594Leu; replaces proline 594 with leucine.
Molecular consequence: missense variant.
Genome position (GRCh38, 1-based): chr21:45,486,940, C>T. VCF-style: chr21-45486940-C-T. GRCh37 (hg19) VCF-style: chr21-46906854-C-T.
Other names: c.2321C>T, p.Pro774Leu (NM_030582.4); c.3026C>T, p.Pro1009Leu (NM_130444.3); short protein forms P1009L, P594L, P774L.
Identifiers: ClinVar variation 1363832 (VCV001363832.6), dbSNP rs1415267638, ClinGen allele CA410496302.
Genomic context (GRCh38, chr21:45,486,940, plus strand): 5'-GTCCTGCTGGTGCTCGTGGGGAGAGCGGCCTGGCAGGAGCCCCCGGACCTGCTGGACCAC[C>T]AGGCCCCCCTGGGCCCCCTGGGCCCCCAGGACCAGGACTCCCCGCTGGATTTGTGAGTAC-3'
Protein context (NP_001366429.1, residues 584-604): LAGAPGPAGP[Pro594Leu]GPPGPPGPPG

ClinVar aggregate classification (germline): Uncertain significance (1 of 4 stars; one submission).

Allele frequency attached by ClinVar (database versions not stated): gnomAD exomes below 0.00001 and 0.00001.
gnomAD v4.1: 2 of 1,503,988 alleles (0.00013%); highest among the groups gnomAD compares: Non-Finnish European, 0.000089%; no homozygotes.

Submission:

Labcorp Genetics (formerly Invitae), Labcorp
Classification: Uncertain significance. Last evaluated: 2021-06-28. Review status: criteria provided, single submitter. Criteria: Invitae Variant Classification Sherloc (09022015). Collection method: clinical testing. Allele origin: germline.
Comment: This sequence change replaces proline with leucine at codon 594 of the COL18A1 protein (p.Pro594Leu). The frequency data for this variant in the population databases is considered unreliable, as metrics indicate insufficient coverage at this position in the ExAC database. This variant has not been reported in the literature in individuals affected with COL18A1-related conditions. Experimental studies and prediction algorithms are not available or were not evaluated, and the functional significance of this variant is currently unknown. In summary, the available evidence is currently insufficient to determine the role of this variant in disease. Therefore, it has been classified as a Variant of Uncertain Significance.